The following is an entry in ClinVar:

NM_001276270.2(MBD4):c.1148A>G (p.Asp383Gly)

Gene: MBD4 (methyl-CpG binding domain 4, DNA glycosylase; minus strand). Cytogenetic location: 3q21.3.
Variant type: single nucleotide variant.
Coding change: c.1148A>G on transcript NM_001276270.2 (MANE Select); coding-DNA position 1148, A replaced by G.
Protein change: p.Asp383Gly; replaces aspartic acid 383 with glycine.
Molecular consequence: missense variant. On other transcripts: intron variant (1).
Genome position (GRCh38, 1-based): chr3:129,436,496, T>C on the plus strand (A>G on the coding strand, the complement: MBD4 is on the minus strand). VCF-style: chr3-129436496-T-C. GRCh37 (hg19) VCF-style: chr3-129155339-T-C.
Other names: c.1148A>G, p.Asp383Gly (NM_001276271.2, NM_001276272.2, NM_003925.3); c.247+1312A>G (NM_001276273.2); short protein forms D383G.
Identifiers: ClinVar variation 4052201 (VCV004052201.2).

ClinVar aggregate classification (germline): Uncertain significance. Review status: criteria provided, multiple submitters, no conflicts (2 of 4 stars). 2 submissions from 2 submitters: Uncertain significance (2). Last evaluated 2025-04-11.

Conditions:
Inborn genetic diseases. Identifiers: MedGen C0950123, MeSH D030342.

gnomAD v4.1: 3 of 1,614,164 alleles (0.00019%); highest among the groups gnomAD compares: Non-Finnish European, 0.00017%; no homozygotes.

Submissions (2):

Ambry Genetics
Classification: Uncertain significance for Inborn genetic diseases. Last evaluated: 2025-04-11. Review status: criteria provided, single submitter. Criteria: Ambry Variant Classification Scheme 2023. Collection method: clinical testing. Allele origin: germline.
Comment: The p.D383G variant (also known as c.1148A>G), located in coding exon 3 of the MBD4 gene, results from an A to G substitution at nucleotide position 1148. The aspartic acid at codon 383 is replaced by glycine, an amino acid with similar properties. This amino acid position is conserved. In addition, this alteration is predicted to be tolerated by in silico analysis. Based on the available evidence, the clinical significance of this variant remains unclear.

Labcorp Genetics (formerly Invitae), Labcorp
Classification: Uncertain significance. Last evaluated: 2025-03-19. Review status: criteria provided, single submitter. Criteria: Invitae Variant Classification Sherloc (09022015). Collection method: clinical testing. Allele origin: germline.
Comment: This sequence change replaces aspartic acid, which is acidic and polar, with glycine, which is neutral and non-polar, at codon 383 of the MBD4 protein (p.Asp383Gly). This variant is not present in population databases (gnomAD no frequency). This variant has not been reported in the literature in individuals affected with MBD4-related conditions. An algorithm developed to predict the effect of missense changes on protein structure and function outputs the following: PolyPhen-2: "Benign". The glycine amino acid residue is found in multiple mammalian species, which suggests that this missense change does not adversely affect protein function. In summary, the available evidence is currently insufficient to determine the role of this variant in disease. Therefore, it has been classified as a Variant of Uncertain Significance.